The following is an entry in ClinVar:

ClinVar aggregate classification (germline): Conflicting classifications of pathogenicity. Review status: criteria provided, conflicting classifications (1 of 4 stars). 3 submissions from 3 submitters: Uncertain significance (1); Benign (1); Likely benign (1). Last evaluated 2025-12-17.

Conditions:
Familial thoracic aortic aneurysm and aortic dissection (TAAD). Also called: Thoracic aortic aneurysms and dissections. Identifiers: Orphanet 91387, MedGen C4707243, MONDO:0019625.
Aortic aneurysm, familial thoracic 4 (AAT4). Also called: AORTIC ANEURYSM/AORTIC DISSECTION AND PATENT DUCTUS ARTERIOSUS. Identifiers: MedGen C1851504, MONDO:0007568, OMIM 132900.

Allele frequency attached by ClinVar (database versions not stated): ExAC 0.00001; gnomAD exomes 0.00001 and 0.00002; TOPMed 0.00002.
gnomAD v4.1: 37 of 1,613,144 alleles (0.0023%); highest among the groups gnomAD compares: Non-Finnish European, 0.0025%; no homozygotes.

Submissions (3):

Labcorp Genetics (formerly Invitae), Labcorp
Classification: Uncertain significance for Aortic aneurysm, familial thoracic 4. Last evaluated: 2025-12-17. Review status: criteria provided, single submitter. Criteria: Invitae Variant Classification Sherloc (09022015). Collection method: clinical testing. Allele origin: germline.
Comment: This sequence change falls in intron 10 of the MYH11 gene. It does not directly change the encoded amino acid sequence of the MYH11 protein. It affects a nucleotide within the consensus splice site. This variant is present in population databases (rs767584307, gnomAD 0.003%). This variant has not been reported in the literature in individuals affected with MYH11-related conditions. ClinVar contains an entry for this variant (Variation ID: 928164). Variants that disrupt the consensus splice site are a relatively common cause of aberrant splicing (PMID: 17576681, 9536098). Algorithms developed to predict the effect of sequence changes on RNA splicing suggest that this variant is not likely to affect RNA splicing. In summary, the available evidence is currently insufficient to determine the role of this variant in disease. Therefore, it has been classified as a Variant of Uncertain Significance.

Women's Health and Genetics/Laboratory Corporation of America, LabCorp
Classification: Benign. Last evaluated: 2025-09-30. Review status: criteria provided, single submitter. Criteria: LabCorp Variant Classification Summary - May 2015. Collection method: clinical testing. Allele origin: germline.
Comment: Variant summary: MYH11 c.1054+6C>T alters a nucleotide located close to a canonical splice site and therefore could affect mRNA splicing, leading to a significantly altered protein sequence. Consensus agreement among computation tools predict no significant impact on normal splicing. However, these predictions have yet to be confirmed by functional studies. The variant allele was found at a frequency of 2.3e-05 in 1613144 control chromosomes. The observed variant frequency exceeds the estimated maximal expected allele frequency for disease-causing variants in MYH11. To our knowledge, no occurrence of c.1054+6C>T in individuals affected with MYH11-related conditions and no experimental evidence demonstrating its impact on protein function have been reported. ClinVar contains an entry for this variant (Variation ID: 928164). Based on the evidence outlined above, the variant was classified as benign.

Color Diagnostics, LLC DBA Color Health
Classification: Likely benign for Familial thoracic aortic aneurysm and aortic dissection. Last evaluated: 2018-11-23. Review status: criteria provided, single submitter. Criteria: ACMG Guidelines, 2015. Collection method: clinical testing. Allele origin: germline.

Literature cited by the submitters: PubMed 17576681 (cited by Labcorp Genetics (formerly Invitae), Labcorp); PubMed 9536098 (cited by Labcorp Genetics (formerly Invitae), Labcorp).

NM_002474.3(MYH11):c.1033+6C>T

Gene: MYH11 (myosin heavy chain 11; minus strand). Cytogenetic location: 16p13.11.
Variant type: single nucleotide variant.
Coding change: c.1033+6C>T on transcript NM_002474.3 (MANE Select); 6 bases into the intron after coding-DNA position 1033, C replaced by T.
Molecular consequence: intron variant.
Genome position (GRCh38, 1-based): chr16:15,771,563, G>A on the plus strand (C>T on the coding strand, the complement: MYH11 is on the minus strand). VCF-style: chr16-15771563-G-A. GRCh37 (hg19) VCF-style: chr16-15865420-G-A.
Other names: c.1033+6C>T (NM_022844.3); c.1054+6C>T (NM_001040114.2, NM_001040113.2).
Identifiers: ClinVar variation 928164 (VCV000928164.7), dbSNP rs767584307, ClinGen allele CA7922753.